The following is an entry in ClinVar:

ClinVar aggregate classification (germline): Uncertain significance (1 of 4 stars; one submission).

Conditions:
Cardiovascular phenotype. Identifiers: MedGen CN230736.

Submission:

Ambry Genetics
Classification: Uncertain significance for Cardiovascular phenotype. Last evaluated: 2026-05-30. Review status: criteria provided, single submitter. Criteria: Ambry Variant Classification Scheme 2023. Collection method: clinical testing. Allele origin: germline.
Comment: The p.F239L variant (also known as c.717T>G), located in coding exon 7 of the SPRED1 gene, results from a T to G substitution at nucleotide position 717. The phenylalanine at codon 239 is replaced by leucine, an amino acid with highly similar properties. This amino acid position is conserved. In addition, the in silico prediction for this alteration is inconclusive. Based on the available evidence, the clinical significance of this variant remains unclear.

NM_152594.3(SPRED1):c.717T>G (p.Phe239Leu)

Gene: SPRED1 (sprouty related EVH1 domain containing 1; plus strand). Cytogenetic location: 15q14.
Variant type: single nucleotide variant.
Coding change: c.717T>G on transcript NM_152594.3 (MANE Select); coding-DNA position 717, T replaced by G.
Protein change: p.Phe239Leu; replaces phenylalanine 239 with leucine.
Molecular consequence: missense variant.
Genome position (GRCh38, 1-based): chr15:38,351,046, T>G. VCF-style: chr15-38351046-T-G. GRCh37 (hg19) VCF-style: chr15-38643247-T-G.
Other names: short protein forms F239L.
Identifiers: ClinVar variation 4865044 (VCV004865044.1).